The following is an entry in ClinVar:

NM_003072.5(SMARCA4):c.4911+8C>T

Gene: SMARCA4 (SWI/SNF related BAF chromatin remodeling complex subunit ATPase 4; plus strand). Cytogenetic location: 19p13.2.
Variant type: single nucleotide variant.
Coding change: c.4911+8C>T on transcript NM_003072.5 (MANE Select); 8 bases into the intron after coding-DNA position 4911, C replaced by T.
Molecular consequence: intron variant.
Genome position (GRCh38, 1-based): chr19:11,060,195, C>T. VCF-style: chr19-11060195-C-T. GRCh37 (hg19) VCF-style: chr19-11170871-C-T.
Other names: c.4911+8C>T (NM_001128844.3); c.5007+8C>T (NM_001128849.3); c.4812+8C>T (NM_001128847.4, NM_001374457.1); c.4821+8C>T (NM_001128845.2); c.4818+8C>T (NM_001128846.2); c.4809+8C>T (NM_001128848.2).
Identifiers: ClinVar variation 749130 (VCV000749130.11), dbSNP rs1452246167, ClinGen allele CA631770032.

ClinVar aggregate classification (germline): Likely benign. Review status: criteria provided, multiple submitters, no conflicts (2 of 4 stars). 2 submissions from 2 submitters: Likely benign (2). Last evaluated 2026-07-08.

Conditions:
Rhabdoid tumor predisposition syndrome 2 (RTPS2). Identifiers: Orphanet 231108, Orphanet 69077, MedGen C2750074, MONDO:0013224, OMIM 613325.

Allele frequency attached by ClinVar (database versions not stated): gnomAD exomes 0.00001 and 0.00002.
gnomAD v4.1: 15 of 1,550,588 alleles (0.00097%); highest among the groups gnomAD compares: East Asian, 0.012%; no homozygotes.

Submissions (2):

Myriad Genetics, Inc.
Classification: Likely benign for Rhabdoid tumor predisposition syndrome 2. Last evaluated: 2026-07-08. Review status: criteria provided, single submitter. Criteria: Myriad Autosomal Dominant, Autosomal Recessive and X-Linked Classification Criteria (2023). Collection method: clinical testing. Allele origin: unknown.
Comment: This variant is considered likely benign. This variant is intronic and is not expected to impact mRNA splicing.

Labcorp Genetics (formerly Invitae), Labcorp
Classification: Likely benign for Rhabdoid tumor predisposition syndrome 2. Last evaluated: 2025-04-07. Review status: criteria provided, single submitter. Criteria: Invitae Variant Classification Sherloc (09022015). Collection method: clinical testing. Allele origin: germline.